The following is an entry in ClinVar:

ClinVar aggregate classification (germline): Uncertain significance. Review status: criteria provided, multiple submitters, no conflicts (2 of 4 stars). 2 submissions from 2 submitters: Uncertain significance (2). Last evaluated 2025-11-03.

Conditions:
Hereditary nonpolyposis colorectal neoplasms. Identifiers: MedGen C0009405, MeSH D003123.
Hereditary cancer-predisposing syndrome. Also called: Neoplastic Syndromes, Hereditary; Tumor predisposition; Hereditary Cancer Syndrome; Hereditary neoplastic syndrome. Identifiers: Orphanet 140162, MedGen C0027672, MeSH D009386, MONDO:0015356.

Allele frequency attached by ClinVar (database versions not stated): gnomAD exomes below 0.00001.

Submissions (2):

Ambry Genetics
Classification: Uncertain significance for Hereditary cancer-predisposing syndrome. Last evaluated: 2025-11-03. Review status: criteria provided, single submitter. Criteria: Ambry Variant Classification Scheme 2023. Collection method: clinical testing. Allele origin: germline.
Comment: The p.G661S variant (also known as c.1981G>A), located in coding exon 4 of the MSH6 gene, results from a G to A substitution at nucleotide position 1981. The glycine at codon 661 is replaced by serine, an amino acid with similar properties. This amino acid position is poorly conserved in available vertebrate species. In addition, this alteration is predicted to be tolerated by in silico analysis. Based on the available evidence, the clinical significance of this variant remains unclear.

Labcorp Genetics (formerly Invitae), Labcorp
Classification: Uncertain significance for Hereditary nonpolyposis colorectal neoplasms. Last evaluated: 2024-11-03. Review status: criteria provided, single submitter. Criteria: Invitae Variant Classification Sherloc (09022015). Collection method: clinical testing. Allele origin: germline.
Comment: This sequence change replaces glycine, which is neutral and non-polar, with serine, which is neutral and polar, at codon 661 of the MSH6 protein (p.Gly661Ser). This variant is not present in population databases (gnomAD no frequency). This variant has not been reported in the literature in individuals affected with MSH6-related conditions. ClinVar contains an entry for this variant (Variation ID: 820460). Invitae Evidence Modeling of protein sequence and biophysical properties (such as structural, functional, and spatial information, amino acid conservation, physicochemical variation, residue mobility, and thermodynamic stability) indicates that this missense variant is not expected to disrupt MSH6 protein function with a negative predictive value of 95%. In summary, the available evidence is currently insufficient to determine the role of this variant in disease. Therefore, it has been classified as a Variant of Uncertain Significance.

NM_000179.3(MSH6):c.1981G>A (p.Gly661Ser)

Gene: MSH6 (mutS homolog 6; plus strand). Cytogenetic location: 2p16.3.
Variant type: single nucleotide variant.
Coding change: c.1981G>A on transcript NM_000179.3 (MANE Select); coding-DNA position 1981, G replaced by A.
Protein change: p.Gly661Ser; replaces glycine 661 with serine.
Molecular consequence: missense variant.
Genome position (GRCh38, 1-based): chr2:47,799,964, G>A. VCF-style: chr2-47799964-G-A. GRCh37 (hg19) VCF-style: chr2-48027103-G-A.
Other names: c.1591G>A, p.Gly531Ser (NM_001281492.2); c.1075G>A, p.Gly359Ser (NM_001281493.2, NM_001281494.2); short protein forms G661S, G359S, G531S.
Identifiers: ClinVar variation 820460 (VCV000820460.7), dbSNP rs1572725169, ClinGen allele CA346750625.